The following is an entry in ClinVar:

NM_015346.4(ZFYVE26):c.7232G>A (p.Arg2411His)

Gene: ZFYVE26 (zinc finger FYVE-type containing 26; minus strand). Cytogenetic location: 14q24.1.
Variant type: single nucleotide variant.
Coding change: c.7232G>A on transcript NM_015346.4 (MANE Select); coding-DNA position 7232, G replaced by A.
Protein change: p.Arg2411His; replaces arginine 2411 with histidine.
Molecular consequence: missense variant.
Genome position (GRCh38, 1-based): chr14:67,752,483, C>T on the plus strand (G>A on the coding strand, the complement: ZFYVE26 is on the minus strand). VCF-style: chr14-67752483-C-T. GRCh37 (hg19) VCF-style: chr14-68219200-C-T.
Other names: short protein forms R2411H.
Identifiers: ClinVar variation 220663 (VCV000220663.25), dbSNP rs34373049, ClinGen allele CA350292.

ClinVar aggregate classification (germline): Benign/Likely benign. Review status: criteria provided, multiple submitters, no conflicts (2 of 4 stars). 10 submissions from 10 submitters: Benign (6); Likely benign (2). 2 of the submissions do not count toward it. Last evaluated 2026-02-03.

Conditions:
Spastic paraplegia. Identifiers: MedGen C0037772, HP:0001258.
Hereditary spastic paraplegia. Also called: Familial spastic paraparesis. Identifiers: Orphanet 685, MedGen C0037773, MONDO:0019064. Disease mechanism: loss of function.
Hereditary spastic paraplegia 15 (SPG15). Also called: KJELLIN SYNDROME; SPASTIC PARAPLEGIA AND RETINAL DEGENERATION; SPASTIC PARAPLEGIA 15, AUTOSOMAL RECESSIVE. Identifiers: Orphanet 100996, MedGen C1849128, MONDO:0010044, OMIM 270700.

Allele frequency attached by ClinVar (database versions not stated): 1000 Genomes Project 30x 0.00953; 1000 Genomes Project 0.00958; TOPMed 0.02413; ExAC 0.02926; gnomAD 0.02977 and 0.03090; gnomAD exomes 0.03011; ESP Exome Variant Server 0.03106.
gnomAD v4.1: 60,731 of 1,614,066 alleles (3.8%); highest among the groups gnomAD compares: Non-Finnish European, 4.3%; 1,399 homozygotes.

Submissions (10):

Labcorp Genetics (formerly Invitae), Labcorp
Classification: Benign for Spastic paraplegia. Last evaluated: 2026-02-03. Review status: criteria provided, single submitter. Criteria: Invitae Variant Classification Sherloc (09022015). Collection method: clinical testing. Allele origin: germline.

Athena Diagnostics
Classification: Benign. Last evaluated: 2025-10-24. Review status: criteria provided, single submitter. Criteria: Athena Diagnostics Criteria. Collection method: clinical testing. Allele origin: unknown.
Comment: The frequency of this variant in the general population is higher than would generally be expected for pathogenic variants in this gene.

Genome Diagnostics Laboratory, The Hospital for Sick Children
Classification: Benign for Hereditary spastic paraplegia. Last evaluated: 2021-12-18. Review status: criteria provided, single submitter. Criteria: ACMG Guidelines, 2015. Collection method: clinical testing. Allele origin: germline. Affected: yes.

Genome-Nilou Lab
Classification: Benign for Hereditary spastic paraplegia 15. Last evaluated: 2021-12-05. Review status: criteria provided, single submitter. Criteria: ACMG Guidelines, 2015. Collection method: clinical testing. Allele origin: germline. Affected: no.

Illumina Laboratory Services, Illumina
Classification: Likely benign for Hereditary spastic paraplegia 15. Last evaluated: 2018-01-13. Review status: criteria provided, single submitter. Criteria: ICSL Variant Classification Criteria 13 December 2019. Collection method: clinical testing. Allele origin: germline.
Comment: This variant was observed in the ICSL laboratory as part of a predisposition screen in an ostensibly healthy population. It had not been previously curated by ICSL or reported in the Human Gene Mutation Database (HGMD: prior to June 1st, 2018), and was therefore a candidate for classification through an automated scoring system. Utilizing variant allele frequency, disease prevalence and penetrance estimates, and inheritance mode, an automated score was calculated to assess if this variant is too frequent to cause the disease. Based on the score and internal cut-off values, a variant classified as likely benign is not then subjected to further curation. The score for this variant resulted in a classification of likely benign for this disease.

GeneDx
Classification: Benign. Last evaluated: 2016-04-13. Review status: criteria provided, single submitter. Criteria: GeneDx Variant Classification (06012015). Collection method: clinical testing. Allele origin: germline. Affected: yes.
Comment: This variant is considered likely benign or benign based on one or more of the following criteria: it is a conservative change, it occurs at a poorly conserved position in the protein, it is predicted to be benign by multiple in silico algorithms, and/or has population frequency not consistent with disease.

Mayo Clinic Laboratories, Mayo Clinic
Classification: Benign. Last evaluated: 2016-03-02. Review status: criteria provided, single submitter. Criteria: ACMG Guidelines, 2015. Collection method: clinical testing. Allele origin: germline. Observed: 124 variant alleles.

Breakthrough Genomics
Classification: Likely benign. Review status: criteria provided, single submitter. Criteria: ACMG Guidelines, 2015. Collection method: not provided. Allele origin: germline. Inheritance: Autosomal recessive inheritance. Affected: yes.

Genome Diagnostics Laboratory, University Medical Center Utrecht
Classification: Likely benign. Review status: no assertion criteria provided. Collection method: clinical testing. Allele origin: germline. Affected: yes. Study: VKGL Data-share Consensus. Not counted in ClinVar's aggregate classification.

Joint Genome Diagnostic Labs from Nijmegen and Maastricht, Radboudumc and MUMC+
Classification: Likely benign. Review status: no assertion criteria provided. Collection method: clinical testing. Allele origin: germline. Affected: yes. Study: VKGL Data-share Consensus. Not counted in ClinVar's aggregate classification.

Literature cited by the submitters: PubMed 31048186 (cited by Athena Diagnostics).